The following is an entry in ClinVar:

NM_052876.4(NACC1):c.282G>T (p.Val94=)

Gene: NACC1 (nucleus accumbens associated 1; plus strand). Cytogenetic location: 19p13.13.
Variant type: single nucleotide variant.
Coding change: c.282G>T on transcript NM_052876.4 (MANE Select); coding-DNA position 282, G replaced by T.
Protein change: p.Val94=; no amino-acid change (valine 94 retained).
Molecular consequence: synonymous variant.
Genome position (GRCh38, 1-based): chr19:13,135,489, G>T. VCF-style: chr19-13135489-G-T. GRCh37 (hg19) VCF-style: chr19-13246303-G-T.
Identifiers: ClinVar variation 771034 (VCV000771034.12), dbSNP rs148939487, ClinGen allele CA9238248.
Genomic context (GRCh38, chr19:13,135,489, plus strand): 5'-GCCCCAGTCTTTCCAGCAGATCCTCAGCTTCTGCTACACGGGCCGGCTGAGCATGAACGT[G>T]GGCGACCAGTTCCTGCTCATGTACACGGCTGGCTTCCTGCAGATCCAGGAGATCATGGAG-3'
Protein context (NP_443108.1, residues 84-104): FCYTGRLSMN[Val94=]GDQFLLMYTA

ClinVar aggregate classification (germline): Likely benign. Review status: criteria provided, multiple submitters, no conflicts (2 of 4 stars). 4 submissions from 4 submitters: Likely benign (3). 1 of the submissions does not count toward it. Last evaluated 2026-08-01.

Conditions:
NACC1-related disorder. Also called: NACC1-related condition.

Allele frequency attached by ClinVar (database versions not stated): TOPMed 0.00017.
gnomAD v4.1: 492 of 1,613,770 alleles (0.03%); highest among the groups gnomAD compares: South Asian, 0.04%; no homozygotes.

Submissions (4):

CeGaT Center for Human Genetics Tuebingen
Classification: Likely benign. Last evaluated: 2026-08-01. Review status: criteria provided, single submitter. Criteria: CeGaT Center For Human Genetics Tuebingen Variant Classification Criteria Version 2. Collection method: clinical testing. Allele origin: germline. Affected: yes. Observed: 1 variant allele.
Comment: NACC1: BP4

Labcorp Genetics (formerly Invitae), Labcorp
Classification: Likely benign. Last evaluated: 2025-10-01. Review status: criteria provided, single submitter. Criteria: Invitae Variant Classification Sherloc (09022015). Collection method: clinical testing. Allele origin: germline.

Blueprint Genetics
Classification: Likely benign. Last evaluated: 2023-12-29. Review status: criteria provided, single submitter. Criteria: ACMG Guidelines, 2015. Collection method: clinical testing. Allele origin: germline.

PreventionGenetics, part of Exact Sciences
Classification: Likely benign for NACC1-related condition. Last evaluated: 2019-03-12. Review status: no assertion criteria provided. Collection method: clinical testing. Allele origin: germline. Not counted in ClinVar's aggregate classification.
Comment: This variant is classified as likely benign based on ACMG/AMP sequence variant interpretation guidelines (Richards et al. 2015 PMID: 25741868, with internal and published modifications).